The following is an entry in ClinVar:

NM_182961.4(SYNE1):c.8098C>G (p.Gln2700Glu)

Gene: SYNE1 (spectrin repeat containing nuclear envelope protein 1; minus strand). Cytogenetic location: 6q25.2.
Variant type: single nucleotide variant.
Coding change: c.8098C>G on transcript NM_182961.4 (MANE Select); coding-DNA position 8098, C replaced by G.
Protein change: p.Gln2700Glu; replaces glutamine 2700 with glutamic acid.
Molecular consequence: missense variant.
Genome position (GRCh38, 1-based): chr6:152,390,359, G>C on the plus strand (C>G on the coding strand, the complement: SYNE1 is on the minus strand). VCF-style: chr6-152390359-G-C. GRCh37 (hg19) VCF-style: chr6-152711494-G-C.
Other names: c.8119C>G, p.Gln2707Glu (NM_033071.5); short protein forms Q2700E, Q2707E.
Identifiers: ClinVar variation 934953 (VCV000934953.9), dbSNP rs2097590125, ClinGen allele CA366105668.

ClinVar aggregate classification (germline): Uncertain significance (1 of 4 stars; one submission).

Conditions:
Emery-Dreifuss muscular dystrophy 4, autosomal dominant (EDMD4). Also called: EMERY-DREIFUSS MUSCULAR DYSTROPHY 4 WITH VARIABLE FEATURES. Identifiers: Orphanet 261, MedGen C2751807, MONDO:0013071, OMIM 612998.
Autosomal recessive ataxia, Beauce type. Also called: Spinocerebellar ataxia, autosomal recessive 8; ATAXIA, RECESSIVE, OF BEAUCE; SYNE1-Related Autosomal Recessive Cerebellar Ataxia; SYNE1 Deficiency. Identifiers: Orphanet 88644, MedGen C1853116, MONDO:0012549, OMIM 610743.

Submission:

Labcorp Genetics (formerly Invitae), Labcorp
Classification: Uncertain significance for Emery-Dreifuss muscular dystrophy 4, autosomal dominant; Autosomal recessive ataxia, Beauce type. Last evaluated: 2022-06-03. Review status: criteria provided, single submitter. Criteria: Invitae Variant Classification Sherloc (09022015). Collection method: clinical testing. Allele origin: germline.
Comment: This sequence change replaces glutamine, which is neutral and polar, with glutamic acid, which is acidic and polar, at codon 2707 of the SYNE1 protein (p.Gln2707Glu). This variant is not present in population databases (gnomAD no frequency). This variant has not been reported in the literature in individuals affected with SYNE1-related conditions. ClinVar contains an entry for this variant (Variation ID: 934953). Algorithms developed to predict the effect of missense changes on protein structure and function (SIFT, PolyPhen-2, Align-GVGD) all suggest that this variant is likely to be disruptive. Algorithms developed to predict the effect of sequence changes on RNA splicing suggest that this variant may create or strengthen a splice site. In summary, the available evidence is currently insufficient to determine the role of this variant in disease. Therefore, it has been classified as a Variant of Uncertain Significance.